The following is an entry in ClinVar:

ClinVar aggregate classification (germline): Uncertain significance (1 of 4 stars; one submission).

Conditions:
RFX6-related disorder. Also called: RFX6-related condition.

gnomAD v4.1: 6 of 1,559,282 alleles (0.00038%); highest among the groups gnomAD compares: Admixed American, 0.01%; no homozygotes.

Submission:

PreventionGenetics, part of Exact Sciences
Classification: Uncertain significance for RFX6-related condition. Last evaluated: 2025-11-12. Review status: criteria provided, single submitter. Criteria: ACMG Guidelines, 2015. Collection method: clinical testing. Allele origin: germline.
Comment: The RFX6 c.1530C>T variant is not predicted to result in an amino acid change (p.=). This variant is predicted to impact splicing based on one available splicing prediction algorithm (SpliceAI, Jaganathan et al. 2019. PubMed ID: 30661751). To our knowledge, this variant has not been reported in the literature. This variant is reported in 0.017% of alleles in individuals of Latino descent in gnomAD. At this time, the clinical significance of this variant is uncertain due to the absence of conclusive functional and genetic evidence.

NM_173560.4(RFX6):c.1530C>T (p.Leu510=)

Gene: RFX6 (regulatory factor X6; plus strand). Cytogenetic location: 6q22.1.
Variant type: single nucleotide variant.
Coding change: c.1530C>T on transcript NM_173560.4 (MANE Select); coding-DNA position 1530, C replaced by T.
Protein change: p.Leu510=; no amino-acid change (leucine 510 retained).
Molecular consequence: synonymous variant.
Genome position (GRCh38, 1-based): chr6:116,923,199, C>T. VCF-style: chr6-116923199-C-T. GRCh37 (hg19) VCF-style: chr6-117244362-C-T.
Identifiers: ClinVar variation 4982957 (VCV004982957.1).